The following is an entry in ClinVar:

NM_001843.4(CNTN1):c.1996G>T (p.Ala666Ser)

Gene: CNTN1 (contactin 1; plus strand). Cytogenetic location: 12q12.
Variant type: single nucleotide variant.
Coding change: c.1996G>T on transcript NM_001843.4 (MANE Select); coding-DNA position 1996, G replaced by T.
Protein change: p.Ala666Ser; replaces alanine 666 with serine.
Molecular consequence: missense variant.
Genome position (GRCh38, 1-based): chr12:40,993,152, G>T. VCF-style: chr12-40993152-G-T. GRCh37 (hg19) VCF-style: chr12-41386954-G-T.
Other names: c.1963G>T, p.Ala655Ser (NM_175038.2); short protein forms A655S, A666S.
Identifiers: ClinVar variation 1014699 (VCV001014699.9), dbSNP rs1948132905, ClinGen allele CA384586163.
Genomic context (GRCh38, chr12:40,993,152, plus strand): 5'-TTCTCTATTTACTATTTATTTTATTCAGATCCCCCAATTATTGAAGGAAATATGGAGGCA[G>T]CAAGAGCAGTGGACTTAATCCCATGGATGGAGTATGAATTCCGCGTGGTAGCAACCAATA-3'
Protein context (NP_001834.2, residues 656-676): PPIIEGNMEA[Ala666Ser]RAVDLIPWME

ClinVar aggregate classification (germline): Uncertain significance (1 of 4 stars; one submission).

Conditions:
Compton-North congenital myopathy (CMYO12). Identifiers: Orphanet 210163, MedGen C2675527, MONDO:0012929, OMIM 612540.

Submission:

Labcorp Genetics (formerly Invitae), Labcorp
Classification: Uncertain significance for Compton-North congenital myopathy. Last evaluated: 2020-03-14. Review status: criteria provided, single submitter. Criteria: Invitae Variant Classification Sherloc (09022015). Collection method: clinical testing. Allele origin: germline.
Comment: This variant is not present in population databases (ExAC no frequency). In summary, the available evidence is currently insufficient to determine the role of this variant in disease. Therefore, it has been classified as a Variant of Uncertain Significance. Algorithms developed to predict the effect of missense changes on protein structure and function (SIFT, PolyPhen-2, Align-GVGD) all suggest that this variant is likely to be disruptive, but these predictions have not been confirmed by published functional studies and their clinical significance is uncertain. This variant has not been reported in the literature in individuals with CNTN1-related conditions. This sequence change replaces alanine with serine at codon 666 of the CNTN1 protein (p.Ala666Ser). The alanine residue is highly conserved and there is a moderate physicochemical difference between alanine and serine.